The following is an entry in ClinVar:

ClinVar aggregate classification (germline): Uncertain significance (1 of 4 stars; one submission).

Conditions:
Hereditary spastic paraplegia 11. Also called: Spastic paraplegia, mental retardation and thin corpus callosum; Nakamura Osame syndrome; Autosomal recessive hereditary spastic paraplegia, mental impairment, and thin corpus callosum; SPASTIC PARAPLEGIA, AUTOSOMAL RECESSIVE, COMPLICATED, WITH THIN CORPUS CALLOSUM; SPASTIC PARAPLEGIA, AUTOSOMAL RECESSIVE, WITH MENTAL IMPAIRMENT AND THIN CORPUS CALLOSUM; Spastic Paraplegia 11. Identifiers: Orphanet 2822, MedGen C1858479, MONDO:0011445, OMIM 604360.

Allele frequency attached by ClinVar (database versions not stated): gnomAD 0.00001; gnomAD exomes 0.00001; ExAC 0.00002.
gnomAD v4.1: 5 of 1,613,482 alleles (0.00031%); highest among the groups gnomAD compares: Non-Finnish European, 0.00017%; no homozygotes.

Submission:

Labcorp Genetics (formerly Invitae), Labcorp
Classification: Uncertain significance for Hereditary spastic paraplegia 11. Last evaluated: 2019-03-05. Review status: criteria provided, single submitter. Criteria: Invitae Variant Classification Sherloc (09022015). Collection method: clinical testing. Allele origin: germline.
Comment: In summary, the available evidence is currently insufficient to determine the role of this variant in disease. Therefore, it has been classified as a Variant of Uncertain Significance. This sequence change replaces aspartic acid with histidine at codon 941 of the SPG11 protein (p.Asp941His). The aspartic acid residue is highly conserved and there is a moderate physicochemical difference between aspartic acid and histidine. This variant is present in population databases (rs767177124, ExAC 0.003%). This variant has not been reported in the literature in individuals with SPG11-related conditions. Algorithms developed to predict the effect of missense changes on protein structure and function are either unavailable or do not agree on the potential impact of this missense change (SIFT: "Deleterious"; PolyPhen-2: "Benign"; Align-GVGD: "Class C25").

NM_025137.4(SPG11):c.2821G>C (p.Asp941His)

Gene: SPG11 (SPG11 vesicle trafficking associated, spatacsin; minus strand). Cytogenetic location: 15q21.1.
Variant type: single nucleotide variant.
Coding change: c.2821G>C on transcript NM_025137.4 (MANE Select); coding-DNA position 2821, G replaced by C.
Protein change: p.Asp941His; replaces aspartic acid 941 with histidine.
Molecular consequence: missense variant.
Genome position (GRCh38, 1-based): chr15:44,620,203, C>G on the plus strand (G>C on the coding strand, the complement: SPG11 is on the minus strand). VCF-style: chr15-44620203-C-G. GRCh37 (hg19) VCF-style: chr15-44912401-C-G.
Other names: c.2821G>C, p.Asp941His (NM_001160227.2); short protein forms D941H.
Identifiers: ClinVar variation 844202 (VCV000844202.9), dbSNP rs767177124, ClinGen allele CA7535139.